The following is an entry in ClinVar:

NM_001375524.1(TRRAP):c.4233+11_4233+22dup

Gene: TRRAP (transformation/transcription domain associated protein; plus strand). Cytogenetic location: 7q22.1.
Variant type: Duplication.
Coding change: c.4233+11_4233+22dup on transcript NM_001375524.1 (MANE Select); bases 11 to 22 of the intron after coding-DNA position 4233, 12 bases duplicated (GTGCGTGCGTGT).
Molecular consequence: intron variant.
Genome position (GRCh38, 1-based): chr7:98,937,288-98,937,299, GTGCGTGCGTGT duplicated; duplicating any 12 consecutive bases within chr7:98,937,284-98,937,299 gives the same sequence; the c. name uses the placement nearest the transcript's 3' end. VCF-style (leftmost placement, unchanged base first): chr7-98937283-T-TGTGTGTGCGTGC. GRCh37 (hg19) VCF-style: chr7-98534906-T-TGTGTGTGCGTGC.
Other names: c.4233+11_4233+22dupGTGCGTGCGTGT (NM_003496.3); c.4233+11_4233+22dup (NM_001244580.2, NM_003496.4).
Identifiers: ClinVar variation 789189 (VCV000789189.40), dbSNP rs139606125, ClinGen allele CA4360181.

ClinVar aggregate classification (germline): Benign. Review status: criteria provided, multiple submitters, no conflicts (2 of 4 stars). 2 submissions from 2 submitters: Benign (2). Last evaluated 2026-02-03.

Submissions (2):

Labcorp Genetics (formerly Invitae), Labcorp
Classification: Benign. Last evaluated: 2026-02-03. Review status: criteria provided, single submitter. Criteria: Invitae Variant Classification Sherloc (09022015). Collection method: clinical testing. Allele origin: germline.

CeGaT Center for Human Genetics Tuebingen
Classification: Benign. Last evaluated: 2024-07-01. Review status: criteria provided, single submitter. Criteria: CeGaT Center For Human Genetics Tuebingen Variant Classification Criteria Version 2. Collection method: clinical testing. Allele origin: germline. Affected: yes. Observed: 23 variant alleles.
Comment: TRRAP: BS1, BS2